The following is an entry in ClinVar:

NM_000179.3(MSH6):c.2989A>T (p.Lys997Ter)

Gene: MSH6 (mutS homolog 6; plus strand). Cytogenetic location: 2p16.3.
Variant type: single nucleotide variant.
Coding change: c.2989A>T on transcript NM_000179.3 (MANE Select); coding-DNA position 2989, A replaced by T.
Protein change: p.Lys997Ter; replaces lysine 997 with a stop codon.
Molecular consequence: nonsense.
Genome position (GRCh38, 1-based): chr2:47,800,972, A>T. VCF-style: chr2-47800972-A-T. GRCh37 (hg19) VCF-style: chr2-48028111-A-T.
Other names: c.2599A>T, p.Lys867Ter (NM_001281492.2); c.2083A>T, p.Lys695Ter (NM_001281493.2, NM_001281494.2); short protein forms K997*, K695*, K867*.
Identifiers: ClinVar variation 421152 (VCV000421152.13), dbSNP rs1064794943, ClinGen allele CA16617688.
Genomic context (GRCh38, chr2:47,800,972, plus strand): 5'-TACCAGCTGGAAATTCCTGAGAATTTCACCACTCGCAATTTGCCAGAAGAATACGAGTTG[A>T]AATCTACCAAGAAGGGCTGTAAACGATACTGGACCAAAACTATTGAAAAGAAGTTGGCTA-3'

ClinVar aggregate classification (germline): Pathogenic. Review status: criteria provided, multiple submitters, no conflicts (2 of 4 stars). 4 submissions from 4 submitters: Pathogenic (4). Last evaluated 2023-08-21.

Conditions:
Hereditary nonpolyposis colorectal neoplasms. Identifiers: MedGen C0009405, MeSH D003123.
Hereditary cancer-predisposing syndrome. Also called: Hereditary neoplastic syndrome; Tumor predisposition; Neoplastic Syndromes, Hereditary; Hereditary Cancer Syndrome. Identifiers: Orphanet 140162, MedGen C0027672, MeSH D009386, MONDO:0015356.
Lynch syndrome 5 (LYNCH5). Also called: Hereditary non-polyposis colorectal cancer, type 5; Colorectal cancer, hereditary nonpolyposis, type 5. Identifiers: Orphanet 144, MedGen C1833477, MONDO:0013710, OMIM 614350. Disease mechanism: loss of function.

Submissions (4):

Myriad Genetics, Inc.
Classification: Pathogenic for Lynch syndrome 5. Last evaluated: 2023-08-21. Review status: criteria provided, single submitter. Criteria: Myriad Autosomal Dominant, Autosomal Recessive and X-Linked Classification Criteria (2023). Collection method: clinical testing. Allele origin: unknown.
Comment: This variant is considered pathogenic. This variant creates a termination codon and is predicted to result in premature protein truncation.

Labcorp Genetics (formerly Invitae), Labcorp
Classification: Pathogenic for Hereditary nonpolyposis colorectal neoplasms. Last evaluated: 2023-07-10. Review status: criteria provided, single submitter. Criteria: Invitae Variant Classification Sherloc (09022015). Collection method: clinical testing. Allele origin: germline.
Comment: For these reasons, this variant has been classified as Pathogenic. ClinVar contains an entry for this variant (Variation ID: 421152). This variant has not been reported in the literature in individuals affected with MSH6-related conditions. This variant is not present in population databases (gnomAD no frequency). This sequence change creates a premature translational stop signal (p.Lys997*) in the MSH6 gene. It is expected to result in an absent or disrupted protein product. Loss-of-function variants in MSH6 are known to be pathogenic (PMID: 18269114, 24362816).

Ambry Genetics
Classification: Pathogenic for Hereditary cancer-predisposing syndrome. Last evaluated: 2020-12-14. Review status: criteria provided, single submitter. Criteria: Ambry Variant Classification Scheme 2023. Collection method: clinical testing. Allele origin: germline.
Comment: The p.K997* pathogenic mutation (also known as c.2989A>T), located in coding exon 4 of the MSH6 gene, results from an A to T substitution at nucleotide position 2989. This changes the amino acid from a lysine to a stop codon within coding exon 4. This alteration was identified in a cohort of women undergoing multigene panel testing for hereditary cancer risk (Roberts ME et al. Genet Med. 2018 10;20:1167-1174). This alteration is expected to result in loss of function by premature protein truncation or nonsense-mediated mRNA decay. As such, this alteration is interpreted as a disease-causing mutation.

GeneDx
Classification: Pathogenic. Last evaluated: 2017-02-15. Review status: criteria provided, single submitter. Criteria: GeneDx Variant Classification (06012015). Collection method: clinical testing. Allele origin: germline. Affected: yes.
Comment: This variant is denoted MSH6 c.2989A>T at the cDNA level and p.Lys997Ter (K997X) at the protein level. The substitution creates a nonsense variant, which changes a Lysine to a premature stop codon (AAA>TAA), and is predicted to cause loss of normal protein function through either protein truncation or nonsense-mediated mRNA decay. Although this variant has not, to our knowledge, been reported in the literature, it is considered pathogenic.

Literature cited by the submitters: PubMed 18269114 (cited by Labcorp Genetics (formerly Invitae), Labcorp); PubMed 24362816 (cited by Labcorp Genetics (formerly Invitae), Labcorp); PubMed 29345684 (cited by Ambry Genetics).